The following is an entry in ClinVar:

NM_005633.4(SOS1):c.22T>C (p.Tyr8His)

Genes: SOS1 (SOS Ras/Rac guanine nucleotide exchange factor 1; minus strand), LOC129933535 (ATAC-STARR-seq lymphoblastoid silent region 11384; plus strand). Cytogenetic location: 2p22.1.
Variant type: single nucleotide variant.
Coding change: c.22T>C on transcript NM_005633.4 (MANE Select); coding-DNA position 22, T replaced by C.
Protein change: p.Tyr8His; replaces tyrosine 8 with histidine.
Molecular consequence: missense variant. On other transcripts: intron variant (1).
Genome position (GRCh38, 1-based): chr2:39,120,401, A>G on the plus strand (T>C on the coding strand, the complement: SOS1 is on the minus strand). VCF-style: chr2-39120401-A-G. GRCh37 (hg19) VCF-style: chr2-39347542-A-G.
Other names: c.22T>C, p.Tyr8His (NM_001382395.1); c.66+4263T>C (NM_001382394.1); short protein forms Y8H.
Identifiers: ClinVar variation 3573655 (VCV003573655.1).

ClinVar aggregate classification (germline): Uncertain significance (1 of 4 stars; one submission).

gnomAD v4.1: 5 of 1,598,896 alleles (0.00031%); highest among the groups gnomAD compares: Non-Finnish European, 0.00034%; no homozygotes.

Submission:

GeneDx
Classification: Uncertain significance. Last evaluated: 2024-07-19. Review status: criteria provided, single submitter. Criteria: GeneDx Variant Classification Process June 2021. Collection method: clinical testing. Allele origin: germline. Affected: yes.
Comment: Not observed at significant frequency in large population cohorts (gnomAD); Missense variants in this gene are a common cause of disease and they are underrepresented in the general population; In silico analysis supports that this missense variant has a deleterious effect on protein structure/function; Has not been previously published as pathogenic or benign to our knowledge; This variant is associated with the following publications: (PMID: 29493581)